The following is an entry in ClinVar:

NM_006045.3(ATP9A):c.753C>T (p.Ser251=)

Gene: ATP9A (ATPase phospholipid transporting 9A; minus strand). Cytogenetic location: 20q13.2.
Variant type: single nucleotide variant.
Coding change: c.753C>T on transcript NM_006045.3 (MANE Select); coding-DNA position 753, C replaced by T.
Protein change: p.Ser251=; no amino-acid change (serine 251 retained).
Molecular consequence: synonymous variant.
Genome position (GRCh38, 1-based): chr20:51,689,110, G>A on the plus strand (C>T on the coding strand, the complement: ATP9A is on the minus strand). VCF-style: chr20-51689110-G-A. GRCh37 (hg19) VCF-style: chr20-50305649-G-A.
Identifiers: ClinVar variation 4823055 (VCV004823055.4).

ClinVar aggregate classification (germline): Likely benign (1 of 4 stars; one submission).

Submission:

CeGaT Center for Human Genetics Tuebingen
Classification: Likely benign. Last evaluated: 2026-01-01. Review status: criteria provided, single submitter. Criteria: CeGaT Center For Human Genetics Tuebingen Variant Classification Criteria Version 2. Collection method: clinical testing. Allele origin: germline. Affected: yes. Observed: 1 variant allele.
Comment: ATP9A: PM2:Supporting, BP4, BP7